The following is an entry in ClinVar:

ClinVar aggregate classification (germline): Conflicting classifications of pathogenicity. Review status: criteria provided, conflicting classifications (1 of 4 stars). 6 submissions from 6 submitters: Uncertain significance (2); Likely benign (4). Last evaluated 2026-06-22.

Conditions:
Hereditary cancer-predisposing syndrome. Also called: Hereditary Cancer Syndrome; Hereditary neoplastic syndrome; Neoplastic Syndromes, Hereditary; Tumor predisposition. Identifiers: Orphanet 140162, MedGen C0027672, MeSH D009386, MONDO:0015356.
Retinoblastoma (RB1). Also called: RETINOBLASTOMA, SOMATIC. Identifiers: Orphanet 790, MedGen C0035335, MeSH D012175, MONDO:0008380, OMIM 180200, HP:0009919. Disease mechanism: loss of function. Inheritance: Both sporadic and heritable forms are tested..

Allele frequency attached by ClinVar (database versions not stated): ExAC 0.00002; gnomAD 0.00007 and 0.00008; ESP Exome Variant Server 0.00008; TOPMed 0.00005; gnomAD exomes 0.00001.
gnomAD v4.1: 15 of 1,607,572 alleles (0.00093%); highest among the groups gnomAD compares: African/African-American, 0.02%; no homozygotes.

Submissions (6):

Myriad Genetics, Inc.
Classification: Likely benign for Retinoblastoma. Last evaluated: 2026-06-22. Review status: criteria provided, single submitter. Criteria: Myriad Autosomal Dominant, Autosomal Recessive and X-Linked Classification Criteria (2023). Collection method: clinical testing. Allele origin: unknown.
Comment: This variant is considered likely benign. This variant has been observed at a population frequency that is significantly greater than expected given the associated disease prevalence and penetrance.

Labcorp Genetics (formerly Invitae), Labcorp
Classification: Likely benign for Retinoblastoma. Last evaluated: 2025-12-19. Review status: criteria provided, single submitter. Criteria: Invitae Variant Classification Sherloc (09022015). Collection method: clinical testing. Allele origin: germline.

Dasa
Classification: Uncertain significance. Last evaluated: 2025-06-29. Review status: criteria provided, single submitter. Criteria: DASA Assertion Criteria. Collection method: clinical testing. Allele origin: germline.
Comment: NM_000321.3(RB1):c.2464C>G (p.Pro822Ala) is a missense variant that results in the substitution of proline with alanine. This variant is rare in population databases. Computational prediction algorithms are consistent with a benign effect. The currently available literature and clinical evidence are not sufficient to establish a definitive association between this variant and the reported condition. Therefore, this variant is classified as a variant of uncertain significance.

Ambry Genetics
Classification: Likely benign for Hereditary cancer-predisposing syndrome. Last evaluated: 2023-03-01. Review status: criteria provided, single submitter. Criteria: Ambry Variant Classification Scheme 2023. Collection method: clinical testing. Allele origin: germline.

GeneDx
Classification: Uncertain significance. Last evaluated: 2022-11-18. Review status: criteria provided, single submitter. Criteria: GeneDx Variant Classification Process June 2021. Collection method: clinical testing. Allele origin: germline. Affected: yes.
Comment: In silico analysis supports that this missense variant does not alter protein structure/function; Has not been previously published as pathogenic or benign to our knowledge; This variant is associated with the following publications: (PMID: 23516486)

Color Diagnostics, LLC DBA Color Health
Classification: Likely benign for Retinoblastoma. Last evaluated: 2022-05-04. Review status: criteria provided, single submitter. Criteria: ACMG Guidelines, 2015. Collection method: clinical testing. Allele origin: germline.

Literature cited by the submitters: PubMed 33606809 (cited by Ambry Genetics).

NM_000321.3(RB1):c.2464C>G (p.Pro822Ala)

Gene: RB1 (RB transcriptional corepressor 1; plus strand). Cytogenetic location: 13q14.2.
Variant type: single nucleotide variant.
Coding change: c.2464C>G on transcript NM_000321.3 (MANE Select); coding-DNA position 2464, C replaced by G.
Protein change: p.Pro822Ala; replaces proline 822 with alanine.
Molecular consequence: missense variant.
Genome position (GRCh38, 1-based): chr13:48,465,343, C>G. VCF-style: chr13-48465343-C-G. GRCh37 (hg19) VCF-style: chr13-49039479-C-G.
Other names: short protein forms P822A.
Identifiers: ClinVar variation 700229 (VCV000700229.19), dbSNP rs368413787, ClinGen allele CA035683.